The following is an entry in ClinVar:

NM_001458.5(FLNC):c.7507G>A (p.Gly2503Arg)

Genes: FLNC-AS1 (FLNC antisense RNA 1; minus strand), FLNC (filamin C; plus strand). Cytogenetic location: 7q32.1.
Variant type: single nucleotide variant.
Coding change: c.7507G>A on transcript NM_001458.5 (MANE Select); coding-DNA position 7507, G replaced by A.
Protein change: p.Gly2503Arg; replaces glycine 2503 with arginine.
Molecular consequence: missense variant.
Genome position (GRCh38, 1-based): chr7:128,856,867, G>A. VCF-style: chr7-128856867-G-A. GRCh37 (hg19) VCF-style: chr7-128496921-G-A.
Other names: c.7408G>A, p.Gly2470Arg (NM_001127487.2); short protein forms G2470R, G2503R.
Identifiers: ClinVar variation 1054907 (VCV001054907.9), dbSNP rs2128940258, ClinGen allele CA369218702.

ClinVar aggregate classification (germline): Uncertain significance (1 of 4 stars; one submission).

Conditions:
Hypertrophic cardiomyopathy 26. Also called: Cardiomyopathy, familial hypertrophic, 26. Identifiers: Orphanet 75249, MedGen C4310749, MONDO:0014883, OMIM 617047.
Distal myopathy with posterior leg and anterior hand involvement. Also called: WILLIAMS DISTAL MYOPATHY. Identifiers: Orphanet 63273, MedGen C3279722, MONDO:0013550, OMIM 614065.
Myofibrillar myopathy 5. Also called: Filaminopathy (type); FILAMINOPATHY, AUTOSOMAL DOMINANT. Identifiers: Orphanet 171445, MedGen C1836050, MONDO:0012289, OMIM 609524.

Submission:

Labcorp Genetics (formerly Invitae), Labcorp
Classification: Uncertain significance for Distal myopathy with posterior leg and anterior hand involvement; Myofibrillar myopathy 5; Hypertrophic cardiomyopathy 26. Last evaluated: 2022-03-23. Review status: criteria provided, single submitter. Criteria: Invitae Variant Classification Sherloc (09022015). Collection method: clinical testing. Allele origin: germline.
Comment: In summary, the available evidence is currently insufficient to determine the role of this variant in disease. Therefore, it has been classified as a Variant of Uncertain Significance. Algorithms developed to predict the effect of missense changes on protein structure and function are either unavailable or do not agree on the potential impact of this missense change (SIFT: "Deleterious"; PolyPhen-2: "Probably Damaging"; Align-GVGD: "Class C15"). ClinVar contains an entry for this variant (Variation ID: 1054907). This variant has not been reported in the literature in individuals affected with FLNC-related conditions. This variant is not present in population databases (gnomAD no frequency). This sequence change replaces glycine, which is neutral and non-polar, with arginine, which is basic and polar, at codon 2503 of the FLNC protein (p.Gly2503Arg).